The following is an entry in ClinVar:

ClinVar aggregate classification (germline): Pathogenic. Review status: criteria provided, multiple submitters, no conflicts (2 of 4 stars). 2 submissions from 2 submitters: Pathogenic (2). Last evaluated 2026-09-08.

Conditions:
Fabry disease. Also called: Angiokeratoma corporis diffusum; Fabry's disease; ALPHA-GALACTOSIDASE A DEFICIENCY; ANDERSON-FABRY DISEASE; CERAMIDE TRIHEXOSIDASE DEFICIENCY; Ceramide trihexosidosis. Identifiers: Orphanet 324, MedGen C0002986, MONDO:0010526, OMIM 301500, HP:0001071. Disease mechanism: Fabry disease is due to inactivating mutations in the X-linked GLA gene resulting in deficiency of the enzyme Alpha Galactosidase-A., loss of function.

Submissions (2):

Genomenon, Inc
Classification: Pathogenic for Fabry disease. Last evaluated: 2026-09-08. Review status: criteria provided, single submitter. Criteria: Genomenon Sequence Variant Interpretation Standards - Updated. Collection method: curation. Allele origin: germline. Affected: yes.
Comment: GLA p.Ser102GlnfsTer19 (c.304del) is a frameshift variant that is predicted to introduce a premature termination codon and result in a truncated or absent protein product. This variant has been observed in at least one proband with clinical features consistent with Fabry disease (PMID:9100224;15091117;32127409). Functional or patient cell studies have been reported (PMID:32127409). It is absent or not present at a significant frequency in gnomAD. In conclusion, we classify GLA p.Ser102GlnfsTer19 (c.304del) as a pathogenic variant.

Labcorp Genetics (formerly Invitae), Labcorp
Classification: Pathogenic for Fabry disease. Last evaluated: 2024-10-21. Review status: criteria provided, single submitter. Criteria: Invitae Variant Classification Sherloc (09022015). Collection method: clinical testing. Allele origin: germline.
Comment: This sequence change creates a premature translational stop signal (p.Ser102Glnfs*19) in the GLA gene. It is expected to result in an absent or disrupted protein product. Loss-of-function variants in GLA are known to be pathogenic (PMID: 10666480, 12175777). This variant is not present in population databases (gnomAD no frequency). This variant has not been reported in the literature in individuals affected with GLA-related conditions. For these reasons, this variant has been classified as Pathogenic.

Literature cited by the submitters: PubMed 9100224 (cited by Genomenon, Inc); PubMed 15091117 (cited by Genomenon, Inc); PubMed 32127409 (cited by Genomenon, Inc); PubMed 10666480 (cited by Labcorp Genetics (formerly Invitae), Labcorp); PubMed 12175777 (cited by Labcorp Genetics (formerly Invitae), Labcorp).

NM_000169.3(GLA):c.304del (p.Ser102fs)

Genes: GLA (galactosidase alpha; minus strand), RPL36A-HNRNPH2 (RPL36A-HNRNPH2 readthrough; plus strand). Cytogenetic location: Xq22.1.
Variant type: Deletion.
Coding change: c.304del on transcript NM_000169.3 (MANE Select); coding-DNA position 304, one base deleted (T; older notation c.304delT).
Protein change: p.Ser102fs; shifts the reading frame from serine 102.
Molecular consequence: frameshift variant. On other transcripts: non-coding transcript variant (3), intron variant (2).
Genome position (GRCh38, 1-based): chrX:101,403,876, A deleted on the plus strand (T on the coding strand, the reverse complement: GLA is on the minus strand); the first of 2 consecutive A bases (chrX:101,403,876-101,403,877); deleting either gives the same sequence. VCF-style (leftmost placement, unchanged base first): chrX-101403875-GA-G. GRCh37 (hg19) VCF-style: chrX-100658863-GA-G.
Other names: c.427del, p.Ser143fs (NM_001406747.1, NM_001406749.1); c.304del, p.Ser102fs (NM_001406748.1); c.301-8059del (NM_001199973.2); c.178-8059del (NM_001199974.2); short protein forms S102fs, S143fs.
Identifiers: ClinVar variation 2753815 (VCV002753815.5), dbSNP rs2520913284, ClinGen allele CA2697544666.